The following is an entry in ClinVar:

ClinVar aggregate classification (germline): Uncertain significance. Review status: criteria provided, multiple submitters, no conflicts (2 of 4 stars). 6 submissions from 6 submitters: Uncertain significance (6). Last evaluated 2025-12-18.

Conditions:
Hereditary cancer-predisposing syndrome. Also called: Neoplastic Syndromes, Hereditary; Tumor predisposition; Hereditary neoplastic syndrome; Hereditary Cancer Syndrome. Identifiers: Orphanet 140162, MedGen C0027672, MeSH D009386, MONDO:0015356.
Lynch syndrome 4 (LYNCH4). Also called: Colorectal cancer, hereditary nonpolyposis, type 4; Hereditary non-polyposis colorectal cancer, type 4. Identifiers: Orphanet 144, MedGen C1838333, MONDO:0013699, OMIM 614337. Disease mechanism: loss of function.
Hereditary nonpolyposis colorectal neoplasms. Identifiers: MedGen C0009405, MeSH D003123.

Allele frequency attached by ClinVar (database versions not stated): gnomAD exomes 0.00002; ExAC 0.00003.
gnomAD v4.1: 9 of 665,816 alleles (0.0014%); highest among the groups gnomAD compares: South Asian, 0.015%; 1 homozygote.

Submissions (6):

Labcorp Genetics (formerly Invitae), Labcorp
Classification: Uncertain significance for Hereditary nonpolyposis colorectal neoplasms. Last evaluated: 2025-12-18. Review status: criteria provided, single submitter. Criteria: Invitae Variant Classification Sherloc (09022015). Collection method: clinical testing. Allele origin: germline.
Comment: This sequence change replaces histidine, which is basic and polar, with tyrosine, which is neutral and polar, at codon 833 of the PMS2 protein (p.His833Tyr). The frequency data for this variant in the population databases (gnomAD) is considered unreliable due to the presence of homologous sequence, such as pseudogenes or paralogs, in the genome. This variant has not been reported in the literature in individuals affected with PMS2-related conditions. ClinVar contains an entry for this variant (Variation ID: 580079). Invitae Evidence Modeling incorporating data from in vitro experimental studies (internal data) indicates that this missense variant is not expected to disrupt PMS2 function with a negative predictive value of 95%. In summary, the available evidence is currently insufficient to determine the role of this variant in disease. Therefore, it has been classified as a Variant of Uncertain Significance.

Ambry Genetics
Classification: Uncertain significance for Hereditary cancer-predisposing syndrome. Last evaluated: 2025-04-03. Review status: criteria provided, single submitter. Criteria: Ambry Variant Classification Scheme 2023. Collection method: clinical testing. Allele origin: germline.
Comment: The p.H833Y variant (also known as c.2497C>T), located in coding exon 15 of the PMS2 gene, results from a C to T substitution at nucleotide position 2497. The histidine at codon 833 is replaced by tyrosine, an amino acid with similar properties. This amino acid position is highly conserved in available vertebrate species. In addition, this alteration is predicted to be deleterious by in silico analysis. Based on the available evidence, the clinical significance of this variant remains unclear.

Quest Diagnostics Nichols Institute San Juan Capistrano
Classification: Uncertain significance. Last evaluated: 2025-01-23. Review status: criteria provided, single submitter. Criteria: Quest Diagnostics criteria. Collection method: clinical testing. Allele origin: unknown.
Comment: The PMS2 c.2497C>T (p.His833Tyr) variant has not been reported in individuals with PMS2-related conditions in the published literature. The frequency of this variant in the general population (Genome Aggregation Database) is uninformative in the assessment of its pathogenicity. Analysis of this variant using bioinformatics tools for the prediction of the effect of amino acid changes on protein structure and function yielded conflicting predictions that this variant is benign or damaging. Based on the available information, we are unable to determine the clinical significance of this variant.

Color Diagnostics, LLC DBA Color Health
Classification: Uncertain significance for Hereditary cancer-predisposing syndrome. Last evaluated: 2024-09-17. Review status: criteria provided, single submitter. Criteria: ACMG Guidelines, 2015. Collection method: clinical testing. Allele origin: germline.
Comment: This missense variant replaces histidine with tyrosine at codon 833 of the PMS2 protein. Computational prediction suggests that this variant may have deleterious impact on protein structure and function (internally defined REVEL score threshold >= 0.7, PMID: 27666373). To our knowledge, functional studies have not been reported for this variant. This variant has not been reported in individuals affected with PMS2-related disorders in the literature. This variant has been identified in 3/159092 chromosomes in the general population by the Genome Aggregation Database (gnomAD). The available evidence is insufficient to determine the role of this variant in disease conclusively. Therefore, this variant is classified as a Variant of Uncertain Significance.

GeneDx
Classification: Uncertain significance. Last evaluated: 2024-08-29. Review status: criteria provided, single submitter. Criteria: GeneDx Variant Classification Process June 2021. Collection method: clinical testing. Allele origin: germline. Affected: yes.
Comment: In silico analysis supports that this missense variant has a deleterious effect on protein structure/function; Has not been previously published as pathogenic or benign to our knowledge; This variant is associated with the following publications: (PMID: Fukui2011[Chapter])

Baylor Genetics
Classification: Uncertain significance for Lynch syndrome 4. Last evaluated: 2024-03-15. Review status: criteria provided, single submitter. Criteria: ACMG Guidelines, 2015. Collection method: clinical testing. Allele origin: unknown.

NM_000535.7(PMS2):c.2497C>T (p.His833Tyr)

Gene: PMS2 (PMS1 homolog 2, mismatch repair system component; minus strand). Cytogenetic location: 7p22.1.
Variant type: single nucleotide variant.
Coding change: c.2497C>T on transcript NM_000535.7 (MANE Select); coding-DNA position 2497, C replaced by T.
Protein change: p.His833Tyr; replaces histidine 833 with tyrosine.
Molecular consequence: missense variant. On other transcripts: non-coding transcript variant (1).
Genome position (GRCh38, 1-based): chr7:5,973,491, G>A on the plus strand (C>T on the coding strand, the complement: PMS2 is on the minus strand). VCF-style: chr7-5973491-G-A. GRCh37 (hg19) VCF-style: chr7-6013122-G-A.
Other names: c.2497C>T (NM_000535.6); c.2092C>T, p.His698Tyr (NM_001322003.2, NM_001322004.2, NM_001322005.2); c.2341C>T, p.His781Tyr (NM_001322006.2); c.2179C>T, p.His727Tyr (NM_001322007.2, NM_001322008.2); c.2125C>T, p.His709Tyr (NM_001322009.2); c.1936C>T, p.His646Tyr (NM_001322010.2); c.1564C>T, p.His522Tyr (NM_001322011.2, NM_001322012.2); c.1924C>T, p.His642Tyr (NM_001322013.2); and 2 more; short protein forms H833Y, H642Y, H646Y, H844Y, H709Y, H727Y, H781Y, H522Y.
Identifiers: ClinVar variation 580079 (VCV000580079.16), dbSNP rs777470381, ClinGen allele CA048427.